The following is an entry in ClinVar:

NM_017739.4(POMGNT1):c.93C>A (p.Asn31Lys)

Gene: POMGNT1 (protein O-linked mannose N-acetylglucosaminyltransferase 1 (beta 1,2-); minus strand). Cytogenetic location: 1p34.1.
Variant type: single nucleotide variant.
Coding change: c.93C>A on transcript NM_017739.4 (MANE Select); coding-DNA position 93, C replaced by A.
Protein change: p.Asn31Lys; replaces asparagine 31 with lysine.
Molecular consequence: missense variant. On other transcripts: 5 prime UTR variant (3).
Genome position (GRCh38, 1-based): chr1:46,197,729, G>T on the plus strand (C>A on the coding strand, the complement: POMGNT1 is on the minus strand). VCF-style: chr1-46197729-G-T. GRCh37 (hg19) VCF-style: chr1-46663401-G-T.
Other names: c.93C>A, p.Asn31Lys (NM_001243766.2, NM_001410783.1, NM_001437653.1 and 3 more transcripts); c.-216C>A (NM_001290129.3, NM_001438691.1, NM_001438692.1); short protein forms N31K.
Identifiers: ClinVar variation 4789262 (VCV004789262.1).

ClinVar aggregate classification (germline): Uncertain significance (1 of 4 stars; one submission).

Conditions:
Autosomal recessive limb-girdle muscular dystrophy type 2O. Also called: MUSCULAR DYSTROPHY-DYSTROGLYCANOPATHY (LIMB-GIRDLE), TYPE C, 3; MUSCULAR DYSTROPHY-DYSTROGLYCANOPATHY, LIMB-GIRDLE, POMGNT1-RELATED; Limb-Girdle Muscular Dystrophy Type 3C. Identifiers: Orphanet 206564, MedGen C3150417, MONDO:0013161, OMIM 613157.
Muscular dystrophy-dystroglycanopathy (congenital with impaired intellectual development), type B, 3. Also called: MUSCULAR DYSTROPHY, CONGENITAL, POMGNT1-RELATED; Muscular dystrophy-dystroglycanopathy (congenital with intellectual disability), type B3. Identifiers: MedGen C3150412, MONDO:0013155, OMIM 613151.

Submission:

Labcorp Genetics (formerly Invitae), Labcorp
Classification: Uncertain significance for Autosomal recessive limb-girdle muscular dystrophy type 2O; Muscular dystrophy-dystroglycanopathy (congenital with impaired intellectual development), type B, 3. Last evaluated: 2025-12-21. Review status: criteria provided, single submitter. Criteria: Invitae Variant Classification Sherloc (09022015). Collection method: clinical testing. Allele origin: germline.
Comment: This sequence change replaces asparagine, which is neutral and polar, with lysine, which is basic and polar, at codon 31 of the POMGNT1 protein (p.Asn31Lys). This variant is not present in population databases (gnomAD no frequency). This variant has not been reported in the literature in individuals affected with POMGNT1-related conditions. Invitae Evidence Modeling of protein sequence and biophysical properties (such as structural, functional, and spatial information, amino acid conservation, physicochemical variation, residue mobility, and thermodynamic stability) indicates that this missense variant is not expected to disrupt POMGNT1 protein function with a negative predictive value of 95%. In summary, the available evidence is currently insufficient to determine the role of this variant in disease. Therefore, it has been classified as a Variant of Uncertain Significance.